The following is an entry in ClinVar:

NM_015378.4(VPS13D):c.2454G>A (p.Ser818=)

Gene: VPS13D (vacuolar protein sorting 13 homolog D; plus strand). Cytogenetic location: 1p36.22.
Variant type: single nucleotide variant.
Coding change: c.2454G>A on transcript NM_015378.4 (MANE Select); coding-DNA position 2454, G replaced by A.
Protein change: p.Ser818=; no amino-acid change (serine 818 retained).
Molecular consequence: synonymous variant.
Genome position (GRCh38, 1-based): chr1:12,276,042, G>A. VCF-style: chr1-12276042-G-A. GRCh37 (hg19) VCF-style: chr1-12336099-G-A.
Other names: p.Ser818=; c.2454G>A, p.Ser818= (NM_018156.4).
Identifiers: ClinVar variation 1642878 (VCV001642878.13), dbSNP rs138595778, ClinGen allele CA601824.
Genomic context (GRCh38, chr1:12,276,042, plus strand): 5'-GTTCAGTGAAGAACAGCTTCAAGCACATTTAATGAGCACAAAGATGTATGAGAGGTACTC[G>A]CTGTCATTTATGGACCTCCAGATCATGGTTGGACGAGTGAAAGACAATTGGAAGCATGTC-3'
Protein context (NP_056193.2, residues 808-828): LMSTKMYERY[Ser818=]LSFMDLQIMV

ClinVar aggregate classification (germline): Likely benign. Review status: criteria provided, multiple submitters, no conflicts (2 of 4 stars). 4 submissions from 4 submitters: Likely benign (4). Last evaluated 2026-02-01.

Allele frequency attached by ClinVar (database versions not stated): gnomAD 0.00019; ESP Exome Variant Server 0.00046; 1000 Genomes Project 0.00060; 1000 Genomes Project 30x 0.00078.
gnomAD v4.1: 350 of 1,614,076 alleles (0.022%); highest among the groups gnomAD compares: Middle Eastern, 0.13%; no homozygotes.

Submissions (4):

CeGaT Center for Human Genetics Tuebingen
Classification: Likely benign. Last evaluated: 2026-02-01. Review status: criteria provided, single submitter. Criteria: CeGaT Center For Human Genetics Tuebingen Variant Classification Criteria Version 2. Collection method: clinical testing. Allele origin: germline. Affected: yes. Observed: 1 variant allele.
Comment: VPS13D: BP4, BP7

Labcorp Genetics (formerly Invitae), Labcorp
Classification: Likely benign. Last evaluated: 2025-12-24. Review status: criteria provided, single submitter. Criteria: Invitae Variant Classification Sherloc (09022015). Collection method: clinical testing. Allele origin: germline.

Mayo Clinic Laboratories, Mayo Clinic
Classification: Likely benign. Last evaluated: 2025-01-27. Review status: criteria provided, single submitter. Criteria: ACMG Guidelines, 2015. Collection method: clinical testing. Allele origin: germline. Observed: 4 variant alleles.
Comment: BP4, BP7

Breakthrough Genomics
Classification: Likely benign. Review status: criteria provided, single submitter. Criteria: ACMG Guidelines, 2015. Collection method: not provided. Allele origin: germline. Inheritance: Autosomal recessive inheritance. Affected: yes.